The following is an entry in ClinVar:

NM_001267550.2(TTN):c.40595T>G (p.Val13532Gly)

Gene: TTN (titin; minus strand). Cytogenetic location: 2q31.2.
Variant type: single nucleotide variant.
Coding change: c.40595T>G on transcript NM_001267550.2 (MANE Select); coding-DNA position 40595, T replaced by G.
Protein change: p.Val13532Gly; replaces valine 13532 with glycine.
Molecular consequence: missense variant.
Genome position (GRCh38, 1-based): chr2:178,641,279, A>C on the plus strand (T>G on the coding strand, the complement: TTN is on the minus strand). VCF-style: chr2-178641279-A-C. GRCh37 (hg19) VCF-style: chr2-179506006-A-C.
Other names: c.35672T>G, p.Val11891Gly (NM_001256850.1); c.13400T>G, p.Val4467Gly (NM_003319.4); c.32891T>G, p.Val10964Gly (NM_133378.4); c.13775T>G, p.Val4592Gly (NM_133432.3); c.13976T>G, p.Val4659Gly (NM_133437.4); short protein forms V13532G, V10964G, V11891G, V4659G, V4592G, V4467G.
Identifiers: ClinVar variation 535669 (VCV000535669.7), dbSNP rs756446770, ClinGen allele CA1996442.

ClinVar aggregate classification (germline): Uncertain significance. Review status: criteria provided, multiple submitters, no conflicts (2 of 4 stars). 5 submissions from 5 submitters: Uncertain significance (5). Last evaluated 2026-01-07.

Conditions:
Dilated cardiomyopathy 1G (CMD1G). Identifiers: Orphanet 154, MedGen C1858763, MONDO:0011400, OMIM 604145.
Autosomal recessive limb-girdle muscular dystrophy type 2J (LGMDR10). Also called: MUSCULAR DYSTROPHY, LIMB-GIRDLE, AUTOSOMAL RECESSIVE 10; Limb-girdle muscular dystrophy, type 2J. Identifiers: Orphanet 140922, MedGen C1837342, MONDO:0012127, OMIM 608807.
TTN-related disorder. Also called: TTN-related condition; TTN-related disease; TTN-related disorders.
Myopathy, myofibrillar, 9, with early respiratory failure (MFM9). Also called: Myopathy, distal, with early respiratory failure, autosomal dominant; EDSTROM MYOPATHY; Hereditary myopathy with early respiratory failure; MYOPATHY, PROXIMAL, WITH EARLY RESPIRATORY MUSCLE INVOLVEMENT. Identifiers: Orphanet 178464, Orphanet 34521, MedGen C1863599, MONDO:0011362, OMIM 603689.
Early-onset myopathy with fatal cardiomyopathy (CMYO5). Also called: CONGENITAL MYOPATHY 5 WITH CARDIOMYOPATHY; Salih Myopathy. Identifiers: Orphanet 289377, MedGen C2673677, MONDO:0012714, OMIM 611705. Disease mechanism: loss of function.
Hypertrophic cardiomyopathy 9. Also called: Familial hypertrophic cardiomyopathy 9. Identifiers: MedGen C1861065, MONDO:0013412, OMIM 613765.
Tibial muscular dystrophy (TMD). Also called: Udd Distal Myopathy – Tibial Muscular Dystrophy; Tibial muscular dystrophy, tardive; UDD MYOPATHY. Identifiers: Orphanet 609, MedGen C1838244, MONDO:0010870, OMIM 600334.

Allele frequency attached by ClinVar (database versions not stated): ExAC below 0.00001; gnomAD exomes 0.00001; TOPMed 0.00003.
gnomAD v4.1: 91 of 1,511,732 alleles (0.006%); highest among the groups gnomAD compares: Non-Finnish European, 0.0072%; no homozygotes.

Submissions (5):

PreventionGenetics, part of Exact Sciences
Classification: Uncertain significance for TTN-related condition. Last evaluated: 2026-01-07. Review status: criteria provided, single submitter. Criteria: ACMG Guidelines, 2015. Collection method: clinical testing. Allele origin: germline.
Comment: The TTN c.40595T>G variant is predicted to result in the amino acid substitution p.Val13532Gly. To our knowledge, this variant has not been reported in the literature. This variant is reported in 0.0019% of alleles in individuals of European (Non-Finnish) descent in gnomAD. At this time, the clinical significance of this variant is uncertain due to the absence of conclusive functional and genetic evidence.

Revvity Omics, Revvity
Classification: Uncertain significance. Last evaluated: 2024-09-18. Review status: criteria provided, single submitter. Criteria: ACMG Guidelines, 2015. Collection method: clinical testing. Allele origin: germline.

Women's Health and Genetics/Laboratory Corporation of America, LabCorp
Classification: Uncertain significance. Last evaluated: 2022-07-18. Review status: criteria provided, single submitter. Criteria: LabCorp Variant Classification Summary - May 2015. Collection method: clinical testing. Allele origin: germline.

Fulgent Genetics
Classification: Uncertain significance for Tibial muscular dystrophy; Myopathy, myofibrillar, 9, with early respiratory failure; Dilated cardiomyopathy 1G; Autosomal recessive limb-girdle muscular dystrophy type 2J; Early-onset myopathy with fatal cardiomyopathy; Hypertrophic cardiomyopathy 9. Last evaluated: 2021-08-13. Review status: criteria provided, single submitter. Criteria: ACMG Guidelines, 2015. Collection method: clinical testing. Allele origin: unknown.

Labcorp Genetics (formerly Invitae), Labcorp
Classification: Uncertain significance for Dilated cardiomyopathy 1G; Autosomal recessive limb-girdle muscular dystrophy type 2J. Last evaluated: 2017-08-24. Review status: criteria provided, single submitter. Criteria: Invitae Variant Classification Sherloc (09022015). Collection method: clinical testing. Allele origin: germline.